The following is an entry in ClinVar:

NM_000264.5(PTCH1):c.3130G>T (p.Ala1044Ser)

Gene: PTCH1 (patched 1; minus strand). Cytogenetic location: 9q22.32.
Variant type: single nucleotide variant.
Coding change: c.3130G>T on transcript NM_000264.5 (MANE Select); coding-DNA position 3130, G replaced by T.
Protein change: p.Ala1044Ser; replaces alanine 1044 with serine.
Molecular consequence: missense variant. On other transcripts: non-coding transcript variant (1).
Genome position (GRCh38, 1-based): chr9:95,458,051, C>A on the plus strand (G>T on the coding strand, the complement: PTCH1 is on the minus strand). VCF-style: chr9-95458051-C-A. GRCh37 (hg19) VCF-style: chr9-98220333-C-A.
Other names: c.2932G>T, p.Ala978Ser (NM_001083602.3); c.3127G>T, p.Ala1043Ser (NM_001083603.3); c.2677G>T, p.Ala893Ser (NM_001083604.3, NM_001083605.3, NM_001083606.3 and 1 more transcripts); c.2974G>T, p.Ala992Ser (NM_001354918.2); short protein forms A1043S, A1044S, A978S, A992S, A893S.
Identifiers: ClinVar variation 1727965 (VCV001727965.4), dbSNP rs138458710, ClinGen allele CA374112326.

ClinVar aggregate classification (germline): Uncertain significance (1 of 4 stars; one submission).

Conditions:
Hereditary cancer-predisposing syndrome. Also called: Tumor predisposition; Neoplastic Syndromes, Hereditary; Hereditary Cancer Syndrome; Hereditary neoplastic syndrome. Identifiers: Orphanet 140162, MedGen C0027672, MeSH D009386, MONDO:0015356.

gnomAD v4.1: 23 of 1,614,140 alleles (0.0014%); highest among the groups gnomAD compares: Non-Finnish European, 0.0019%; no homozygotes.

Submission:

Ambry Genetics
Classification: Uncertain significance for Hereditary cancer-predisposing syndrome. Last evaluated: 2025-08-07. Review status: criteria provided, single submitter. Criteria: Ambry Variant Classification Scheme 2023. Collection method: clinical testing. Allele origin: germline.
Comment: The p.A1044S variant (also known as c.3130G>T), located in coding exon 18 of the PTCH1 gene, results from a G to T substitution at nucleotide position 3130. The alanine at codon 1044 is replaced by serine, an amino acid with similar properties. This amino acid position is highly conserved in available vertebrate species. In addition, the in silico prediction for this alteration is inconclusive. Since supporting evidence is limited at this time, the clinical significance of this alteration remains unclear.